The following is an entry in ClinVar:

NM_152564.5(VPS13B):c.9263ATA[1] (p.Asn3089del)

Gene: VPS13B (vacuolar protein sorting 13 homolog B; plus strand). Cytogenetic location: 8q22.2.
Variant type: Microsatellite.
Coding change: c.9263ATA[1] on transcript NM_152564.5 (MANE Select); one copy of the 3-base unit ATA starting at c.9263; the reference has two copies in a row; one copy, 3 bases deleted.
Protein change: p.Asn3089del; deletes asparagine 3089.
Molecular consequence: inframe deletion. On other transcripts: inframe indel (2).
Genome position (GRCh38, 1-based): chr8:99,823,914-99,823,916, ATA deleted; deleting any 3 consecutive bases within chr8:99,823,910-99,823,916 gives the same sequence; the position shown is the placement nearest the transcript's 3' end. VCF-style (leftmost placement, unchanged base first): chr8-99823909-CAAT-C. GRCh37 (hg19) VCF-style: chr8-100836137-CAAT-C.
Other names: c.9338ATA[1], p.Asn3114del (NM_017890.5); c.9263_9265ATA[1], p.Asn3089del (NM_152564.4); c.9266_9268delATA (NM_152564.4); short protein forms N3089del, N3114del.
Identifiers: ClinVar variation 5002012 (VCV005002012.1).

ClinVar aggregate classification (germline): Uncertain significance (1 of 4 stars; one submission).

Conditions:
VPS13B-related disorder. Also called: VPS13B-related condition.

Submission:

PreventionGenetics, part of Exact Sciences
Classification: Uncertain significance for VPS13B-related condition. Last evaluated: 2025-05-12. Review status: criteria provided, single submitter. Criteria: ACMG Guidelines, 2015. Collection method: clinical testing. Allele origin: germline.
Comment: The VPS13B c.9266_9268delATA variant is predicted to result in an in-frame deletion (p.Asn3089del). To our knowledge, this variant has not been reported in the literature or in a large population database (gnomAD), indicating this variant is rare. At this time, the clinical significance of this variant is uncertain due to the absence of conclusive functional and genetic evidence.